The following is an entry in ClinVar:

ClinVar aggregate classification (germline): Uncertain significance (1 of 4 stars; one submission).

Conditions:
Alpha thalassemia-X-linked intellectual disability syndrome (ATRX). Also called: ALPHA-THALASSEMIA/MENTAL RETARDATION SYNDROME, X-LINKED; ATR, NONDELETION TYPE; ATR-X syndrome; Alpha thalassemia mental retardation syndrome, nondeletion type, X-linked; XLMR hypotonic face syndrome; X-linked alpha-thalassemia-mental retardation syndrome. Identifiers: Orphanet 847, MedGen C1845055, MONDO:0010519, OMIM 301040.

Submission:

Labcorp Genetics (formerly Invitae), Labcorp
Classification: Uncertain significance for Alpha thalassemia-X-linked intellectual disability syndrome. Last evaluated: 2025-03-30. Review status: criteria provided, single submitter. Criteria: Invitae Variant Classification Sherloc (09022015). Collection method: clinical testing. Allele origin: germline.
Comment: This sequence change replaces arginine, which is basic and polar, with histidine, which is basic and polar, at codon 1506 of the ATRX protein (p.Arg1506His). This variant is not present in population databases (gnomAD no frequency). This variant has not been reported in the literature in individuals affected with ATRX-related conditions. Invitae Evidence Modeling of protein sequence and biophysical properties (such as structural, functional, and spatial information, amino acid conservation, physicochemical variation, residue mobility, and thermodynamic stability) has been performed for this missense variant. However, the output from this modeling did not meet the statistical confidence thresholds required to predict the impact of this variant on ATRX protein function. In summary, the available evidence is currently insufficient to determine the role of this variant in disease. Therefore, it has been classified as a Variant of Uncertain Significance.

NM_000489.6(ATRX):c.4517G>A (p.Arg1506His)

Gene: ATRX (ATRX chromatin remodeler; minus strand). Cytogenetic location: Xq21.1.
Variant type: single nucleotide variant.
Coding change: c.4517G>A on transcript NM_000489.6 (MANE Select); coding-DNA position 4517, G replaced by A.
Protein change: p.Arg1506His; replaces arginine 1506 with histidine.
Molecular consequence: missense variant.
Genome position (GRCh38, 1-based): chrX:77,652,154, C>T on the plus strand (G>A on the coding strand, the complement: ATRX is on the minus strand). VCF-style: chrX-77652154-C-T. GRCh37 (hg19) VCF-style: chrX-76907644-C-T.
Other names: c.4403G>A, p.Arg1468His (NM_138270.5); short protein forms R1468H, R1506H.
Identifiers: ClinVar variation 4772416 (VCV004772416.1).